The following is an entry in ClinVar:

NM_000540.3(RYR1):c.6642C>T (p.Val2214=)

Gene: RYR1 (ryanodine receptor 1; plus strand). Cytogenetic location: 19q13.2.
Variant type: single nucleotide variant.
Coding change: c.6642C>T on transcript NM_000540.3 (MANE Select); coding-DNA position 6642, C replaced by T.
Protein change: p.Val2214=; no amino-acid change (valine 2214 retained).
Molecular consequence: synonymous variant.
Genome position (GRCh38, 1-based): chr19:38,496,308, C>T. VCF-style: chr19-38496308-C-T. GRCh37 (hg19) VCF-style: chr19-38986948-C-T.
Other names: c.6642C>T, p.Val2214= (NM_001042723.2).
Identifiers: ClinVar variation 2898295 (VCV002898295.4), dbSNP rs1420042427, ClinGen allele CA082147.

ClinVar aggregate classification (germline): Likely benign. Review status: criteria provided, multiple submitters, no conflicts (2 of 4 stars). 2 submissions from 2 submitters: Likely benign (2). Last evaluated 2023-12-09.

Conditions:
Malignant hyperthermia, susceptibility to, 1 (MHS1). Also called: Malignant hyperthermia suceptibility 1; Anesthesia related hyperthermia; Malignant hyperpyrexia; Fulminating hyperpyrexia; Pharmacogenic myopathy; RYR1-Related Malignant Hyperthermia Susceptibility. Identifiers: Orphanet 423, MedGen C2930980, MONDO:0007783, OMIM 145600.
RYR1-related disorder. Also called: RYR1-related condition; RYR1-related disorders. Identifiers: MedGen CN239331.

Allele frequency attached by ClinVar (database versions not stated): TOPMed below 0.00001; gnomAD 0.00001.
gnomAD v4.1: 2 of 1,613,940 alleles (0.00012%); highest among the groups gnomAD compares: African/African-American, 0.0013%; no homozygotes.

Submissions (2):

Labcorp Genetics (formerly Invitae), Labcorp
Classification: Likely benign for RYR1-related disorder. Last evaluated: 2023-12-09. Review status: criteria provided, single submitter. Criteria: Invitae Variant Classification Sherloc (09022015). Collection method: clinical testing. Allele origin: germline.

All of Us Research Program, National Institutes of Health
Classification: Likely benign for Malignant hyperthermia, susceptibility to, 1. Last evaluated: 2023-09-04. Review status: criteria provided, single submitter. Criteria: ACMG Guidelines, 2015. Collection method: clinical testing. Allele origin: germline. Inheritance: Autosomal dominant inheritance. Observed: 1 variant allele, 1 heterozygote.
Comment: This study involves interpretation of variants in research participants for the purpose of population health screening. Participant phenotype was not available at the time of variant classification. Additional details can be found in publication PMID: 35346344, PMCID: PMC8962531